The following is an entry in ClinVar:

NM_201384.3(PLEC):c.7711_7725del (p.Glu2571_Gln2575del)

Gene: PLEC (plectin; minus strand). Cytogenetic location: 8q24.3.
Variant type: Deletion.
Coding change: c.7711_7725del on transcript NM_201384.3 (MANE Select); coding-DNA positions 7711 to 7725, 15 bases deleted (GAGGAGCTGCAGCAG).
Protein change: p.Glu2571_Gln2575del.
Genome position (GRCh38, 1-based): chr8:143,922,096-143,922,110, CTGCTGCAGCTCCTC deleted on the plus strand (GAGGAGCTGCAGCAG on the coding strand, the reverse complement: PLEC is on the minus strand); deleting any 15 consecutive bases within chr8:143,922,096-143,922,115 gives the same sequence; the c. name uses the placement nearest the transcript's 3' end. VCF-style (leftmost placement, unchanged base first): chr8-143922095-GCTGCTGCAGCTCCTC-G. GRCh37 (hg19) VCF-style: chr8-144996263-GCTGCTGCAGCTCCTC-G.
Other names: c.7645_7659del, p.Glu2549_Gln2553del (NM_201379.3); c.8122_8136del, p.Glu2708_Gln2712del (NM_201380.4); c.7615_7629del, p.Glu2539_Gln2543del (NM_201381.3); c.7711_7725del, p.Glu2571_Gln2575del (NM_201382.4); c.7723_7737del, p.Glu2575_Gln2579del (NM_201383.3); c.7792_7806del, p.Glu2598_Gln2602del (NM_000445.5); c.4411_4425del, p.Glu1471_Gln1475del (NM_001410941.1); c.7669_7683del, p.Glu2557_Gln2561del (NM_201378.4).
Identifiers: ClinVar variation 4784230 (VCV004784230.1).
Genomic context (GRCh38, chr8:143,922,095, plus strand): 5'-CACGCAGCCTCTGGTTCTCCTCAGCCAGCAGCTCCTCCTGCTGCCGCCGCTGCTGCTCCA[GCTGCTGCAGCTCCTC>G]CTGCTTGCGCCGCACGCCCTCCTCGGCCTCATGCTGCCGCCGCCGCGCCTCCTCCATGCT-3'

ClinVar aggregate classification (germline): Uncertain significance (1 of 4 stars; one submission).

Conditions:
Epidermolysis bullosa simplex with nail dystrophy (EBS5D). Identifiers: MedGen C4225309, MONDO:0014661, OMIM 616487.
Epidermolysis bullosa simplex, Ogna type (EBS5A). Also called: Pidermolysis bullosa simplex 5A, Ogna type; EPIDERMOLYSIS BULLOSA SIMPLEX 5A, OGNA TYPE. Identifiers: Orphanet 79401, MedGen C0432317, MONDO:0007555, OMIM 131950.
Epidermolysis bullosa simplex 5B, with muscular dystrophy (EBS5B). Also called: Epidermolysis bullosa simplex with muscular dystrophy; EPIDERMOLYSIS BULLOSA SIMPLEX AND LIMB-GIRDLE MUSCULAR DYSTROPHY. Identifiers: Orphanet 257, MedGen C2931072, MONDO:0009181, OMIM 226670.
Autosomal recessive limb-girdle muscular dystrophy type 2Q (LGMDR17). Also called: MUSCULAR DYSTROPHY, LIMB-GIRDLE, AUTOSOMAL RECESSIVE 17. Identifiers: Orphanet 254361, MedGen C3150989, MONDO:0013390, OMIM 613723.
Epidermolysis bullosa simplex 5C, with pyloric atresia (EBS5C). Also called: PLEC-Related Epidermolysis Bullosa with Pyloric Atresia; Epidermolysis bullosa simplex with pyloric atresia; PLEC1-Related Epidermolysis Bullosa with Pyloric Atresia. Identifiers: Orphanet 158684, MedGen C2677349, MONDO:0012807, OMIM 612138.

Submission:

Labcorp Genetics (formerly Invitae), Labcorp
Classification: Uncertain significance for Autosomal recessive limb-girdle muscular dystrophy type 2Q; Epidermolysis bullosa simplex, Ogna type; Epidermolysis bullosa simplex with nail dystrophy; Epidermolysis bullosa simplex 5C, with pyloric atresia; Epidermolysis bullosa simplex 5B, with muscular dystrophy. Last evaluated: 2025-08-27. Review status: criteria provided, single submitter. Criteria: Invitae Variant Classification Sherloc (09022015). Collection method: clinical testing. Allele origin: germline.
Comment: This variant, c.7792_7806del, results in the deletion of 5 amino acid(s) of the PLEC protein (p.Glu2598_Gln2602del), but otherwise preserves the integrity of the reading frame. This variant is not present in population databases (gnomAD no frequency). This variant has not been reported in the literature in individuals affected with PLEC-related conditions. Experimental studies and prediction algorithms are not available or were not evaluated, and the functional significance of this variant is currently unknown. In summary, the available evidence is currently insufficient to determine the role of this variant in disease. Therefore, it has been classified as a Variant of Uncertain Significance.